The following is an entry in ClinVar:

ClinVar aggregate classification (germline): Conflicting classifications of pathogenicity. Review status: criteria provided, conflicting classifications (1 of 4 stars). 5 submissions from 5 submitters: Likely pathogenic (3); Uncertain significance (1). 1 of the submissions does not count toward it. Last evaluated 2025-07-08.

Conditions:
Charcot-Marie-Tooth disease, type I (CMT1). Also called: Charcot-Marie-Tooth, Type 1; Charcot-Marie-Tooth disease type 1. Identifiers: Orphanet 65753, MedGen C0751036, MONDO:0019011.
Charcot-Marie-Tooth disease. Also called: Charcot-Marie-Tooth Neuropathy; Charcot-Marie-Tooth Hereditary Neuropathy. Identifiers: Orphanet 166, MedGen C0007959, MONDO:0015626.
Charcot-Marie-Tooth disease type 1B. Also called: PERONEAL MUSCULAR ATROPHY; CHARCOT-MARIE-TOOTH DISEASE, AUTOSOMAL DOMINANT, WITH FOCALLY FOLDED MYELIN SHEATHS, TYPE 1B; CHARCOT-MARIE-TOOTH DISEASE, SLOW NERVE CONDUCTION TYPE, LINKED TO DUFFY; CHARCOT-MARIE-TOOTH NEUROPATHY, TYPE 1B; HEREDITARY MOTOR AND SENSORY NEUROPATHY I; HEREDITARY MOTOR AND SENSORY NEUROPATHY IB. Identifiers: Orphanet 101082, MedGen C0270912, MONDO:0007307, OMIM 118200.

Submissions (5):

GeneDx
Classification: Likely pathogenic. Last evaluated: 2025-07-08. Review status: criteria provided, single submitter. Criteria: GeneDx Variant Classification Process June 2021. Collection method: clinical testing. Allele origin: germline. Affected: yes.
Comment: Not observed at significant frequency in large population cohorts (gnomAD); Missense variants in this gene are a common cause of disease and they are underrepresented in the general population; In silico analysis supports that this missense variant has a deleterious effect on protein structure/function; This variant is associated with the following publications: (PMID: 26135405, 26310628, 20461396, 7527371, 37581289, 33179255)

MGZ Medical Genetics Center
Classification: Likely pathogenic for Charcot-Marie-Tooth disease type 1B. Last evaluated: 2022-06-15. Review status: criteria provided, single submitter. Criteria: ACMG Guidelines, 2015. Collection method: clinical testing. Allele origin: germline. Affected: yes. Observed: 1 variant allele.
Comment: ACMG criteria applied: PM1, PM6, PS4_SUP, PM2_SUP, PP3

Labcorp Genetics (formerly Invitae), Labcorp
Classification: Uncertain significance for Charcot-Marie-Tooth disease, type I. Last evaluated: 2022-02-21. Review status: criteria provided, single submitter. Criteria: Invitae Variant Classification Sherloc (09022015). Collection method: clinical testing. Allele origin: germline.
Comment: Algorithms developed to predict the effect of missense changes on protein structure and function are either unavailable or do not agree on the potential impact of this missense change (SIFT: "Deleterious"; PolyPhen-2: "Possibly Damaging"; Align-GVGD: "Class C0"). In summary, the available evidence is currently insufficient to determine the role of this variant in disease. Therefore, it has been classified as a Variant of Uncertain Significance. This variant disrupts the p.Asp134 amino acid residue in MPZ. Other variant(s) that disrupt this residue have been determined to be pathogenic (PMID: 10737979). This suggests that this residue is clinically significant, and that variants that disrupt this residue are likely to be disease-causing. ClinVar contains an entry for this variant (Variation ID: 449536). This missense change has been observed in individual(s) with Charcot-Marie-Tooth disease (PMID: 7527371). This variant is not present in population databases (gnomAD no frequency). This sequence change replaces aspartic acid, which is acidic and polar, with asparagine, which is neutral and polar, at codon 134 of the MPZ protein (p.Asp134Asn).

Athena Diagnostics
Classification: Likely pathogenic. Last evaluated: 2020-11-18. Review status: criteria provided, single submitter. Criteria: Athena Diagnostics criteria. Collection method: clinical testing. Allele origin: unknown.
Comment: This variant has not been reported in large, multi-ethnic general populations. Computational tools predict that this variant is pathogenic. The variant is located in a region that is considered important for protein function and/or structure.

Inherited Neuropathy Consortium
Classification: Uncertain significance for Charcot-Marie-Tooth disease. Review status: no assertion criteria provided. Collection method: literature only. Allele origin: germline. Affected: yes. Not counted in ClinVar's aggregate classification.

Literature cited by the submitters: PubMed 10737979 (cited by Labcorp Genetics (formerly Invitae), Labcorp); PubMed 7527371 (cited by 3 submitters); PubMed 26135405 (cited by Athena Diagnostics).

NM_000530.8(MPZ):c.400G>A (p.Asp134Asn)

Gene: MPZ (myelin protein zero; minus strand). Cytogenetic location: 1q23.3.
Variant type: single nucleotide variant.
Coding change: c.400G>A on transcript NM_000530.8 (MANE Select); coding-DNA position 400, G replaced by A.
Protein change: p.Asp134Asn; replaces aspartic acid 134 with asparagine.
Molecular consequence: missense variant.
Genome position (GRCh38, 1-based): chr1:161,306,756, C>T on the plus strand (G>A on the coding strand, the complement: MPZ is on the minus strand). VCF-style: chr1-161306756-C-T. GRCh37 (hg19) VCF-style: chr1-161276546-C-T.
Other names: c.400G>A (LRG_256t1); c.400G>A, p.Asp134Asn (NM_001315491.2); short protein forms D134N.
Identifiers: ClinVar variation 449536 (VCV000449536.11), dbSNP rs1553259647, ClinGen allele CA343348678.